The following is an entry in ClinVar:

NM_018474.6(KIZ):c.1001dup (p.Trp335fs)

Gene: KIZ (kizuna centrosomal protein; plus strand). Cytogenetic location: 20p11.23.
Variant type: Duplication.
Coding change: c.1001dup on transcript NM_018474.6 (MANE Select); coding-DNA position 1001, one base duplicated (A; older notation c.1001dupA).
Protein change: p.Trp335fs; shifts the reading frame from tryptophan 335.
Molecular consequence: frameshift variant.
Genome position (GRCh38, 1-based): chr20:21,162,466, A duplicated; the last of 2 consecutive A bases (chr20:21,162,465-21,162,466); duplicating either gives the same sequence. VCF-style (leftmost placement, unchanged base first): chr20-21162464-T-TA. GRCh37 (hg19) VCF-style: chr20-21143105-T-TA.
Other names: c.692dup, p.Trp232fs (NM_001163022.3, NM_001352435.2); c.602dup, p.Trp202fs (NM_001163023.3); c.854dup, p.Trp286fs (NM_001276389.2); c.1001dup, p.Trp335fs (NM_001352434.2); c.659dup, p.Trp221fs (NM_001352436.2); c.1001dupA (NM_018474.5); short protein forms W286fs, W335fs, W221fs, W202fs, W232fs.
Identifiers: ClinVar variation 946205 (VCV000946205.9), dbSNP rs2033722183, ClinGen allele CA1016084393.
Genomic context (GRCh38, chr20:21,162,464, plus strand): 5'-AAAAAGAGCCAGCCCGCCAGTCTCTCCGATACCAGTTTCAGAATACTGTGAATCTGAAAA[T>TA]AAGTGGTCTCAAGAGAAGCATTCTCCTTGGGAAGGTGTTTCAGGTGGGATGAGAGGCTGA-3'

ClinVar aggregate classification (germline): Pathogenic/Likely pathogenic. Review status: criteria provided, multiple submitters, no conflicts (2 of 4 stars). 3 submissions from 3 submitters: Pathogenic (1); Likely pathogenic (2). Last evaluated 2026-04-28.

Conditions:
KIZ-related disorder. Also called: KIZ-related condition.
KIZ-related retinopathy. Identifiers: MedGen CN375907, MONDO:0700232.

Submissions (3):

PreventionGenetics, part of Exact Sciences
Classification: Likely pathogenic for KIZ-related condition. Last evaluated: 2026-04-28. Review status: criteria provided, single submitter. Criteria: ACMG Guidelines, 2015. Collection method: clinical testing. Allele origin: germline.
Comment: The KIZ c.1001dupA variant is predicted to result in a frameshift and premature protein termination (p.Trp335Valfs*43). To our knowledge, this variant has not been reported in the literature. This variant is absent in a large population database (gnomAD), indicating this variant is rare. Frameshift variants in KIZ are an established mechanism of disease. This variant is interpreted as likely pathogenic.

Department of Pathology and Laboratory Medicine, Sinai Health System
Classification: Likely pathogenic for KIZ-related retinopathy. Last evaluated: 2023-09-25. Review status: criteria provided, single submitter. Criteria: ACMG Guidelines, 2015. Collection method: research. Allele origin: germline.

Labcorp Genetics (formerly Invitae), Labcorp
Classification: Pathogenic. Last evaluated: 2020-02-29. Review status: criteria provided, single submitter. Criteria: Invitae Variant Classification Sherloc (09022015). Collection method: clinical testing. Allele origin: germline.
Comment: This sequence change creates a premature translational stop signal (p.Trp335Valfs*43) in the KIZ gene. It is expected to result in an absent or disrupted protein product. This variant is not present in population databases (ExAC no frequency). This variant has not been reported in the literature in individuals with KIZ-related conditions. Loss-of-function variants in KIZ are known to be pathogenic (PMID: 24680887, 29057815). For these reasons, this variant has been classified as Pathogenic.

Literature cited by the submitters: PubMed 24680887 (cited by Labcorp Genetics (formerly Invitae), Labcorp); PubMed 29057815 (cited by Labcorp Genetics (formerly Invitae), Labcorp).